The following is an entry in ClinVar:

NM_017534.6(MYH2):c.4662+2T>G

Genes: MYHAS (myosin heavy chain gene cluster antisense RNA; plus strand), MYH2 (myosin heavy chain 2; minus strand), LOC126862500 (BRD4-independent group 4 enhancer GRCh37_chr17:10427829-10429028; plus strand). Cytogenetic location: 17p13.1.
Variant type: single nucleotide variant.
Coding change: c.4662+2T>G on transcript NM_017534.6 (MANE Select); the canonical splice donor site of the intron after coding-DNA position 4662, T replaced by G.
Molecular consequence: splice donor variant.
Genome position (GRCh38, 1-based): chr17:10,525,222, A>C on the plus strand (T>G on the coding strand, the complement: MYH2 is on the minus strand). VCF-style: chr17-10525222-A-C. GRCh37 (hg19) VCF-style: chr17-10428539-A-C.
Other names: c.4662+2T>G (NM_001100112.1, NM_001100112.2).
Identifiers: ClinVar variation 649760 (VCV000649760.2), dbSNP rs1597448170, ClinGen allele CA398124249.

ClinVar aggregate classification (germline): Pathogenic/Likely pathogenic. Review status: criteria provided, multiple submitters, no conflicts (2 of 4 stars). 2 submissions from 2 submitters: Pathogenic (1); Likely pathogenic (1). Last evaluated 2024-03-26.

Conditions:
Myopathy, proximal, and ophthalmoplegia (CMYO6). Also called: MYOPATHY WITH CONGENITAL JOINT CONTRACTURES, OPHTHALMOPLEGIA, AND RIMMED VACUOLES; INCLUSION BODY MYOPATHY 3, AUTOSOMAL DOMINANT; CONGENITAL MYOPATHY 6 WITH OPHTHALMOPLEGIA. Identifiers: Orphanet 363677, Orphanet 79091, MedGen C1854106, MONDO:0011577, OMIM 605637.

Submissions (2):

Genomic Medicine Center of Excellence, King Faisal Specialist Hospital and Research Centre
Classification: Pathogenic for Myopathy, proximal, and ophthalmoplegia. Last evaluated: 2024-03-26. Review status: criteria provided, single submitter. Criteria: ACMG Guidelines, 2015. Collection method: clinical testing. Allele origin: germline.

Labcorp Genetics (formerly Invitae), Labcorp
Classification: Likely pathogenic for Inclusion body myopathy 3. Last evaluated: 2018-12-28. Review status: criteria provided, single submitter. Criteria: Invitae Variant Classification Sherloc (09022015). Collection method: clinical testing. Allele origin: germline.
Comment: This sequence change affects a donor splice site in intron 33 of the MYH2 gene. It is expected to disrupt RNA splicing and likely results in an absent or disrupted protein product. This variant is not present in population databases (ExAC no frequency). This variant has not been reported in the literature in individuals with MYH2-related conditions. Donor and acceptor splice site variants typically lead to a loss of protein function (PMID: 16199547), and loss-of-function variants in MYH2 are known to be pathogenic (PMID: 20418530, 23388406, 24193343). In summary, the currently available evidence indicates that the variant is pathogenic, but additional data are needed to prove that conclusively. Therefore, this variant has been classified as Likely Pathogenic.

Literature cited by the submitters: PubMed 24193343 (cited by Labcorp Genetics (formerly Invitae), Labcorp); PubMed 20418530 (cited by Labcorp Genetics (formerly Invitae), Labcorp); PubMed 23388406 (cited by Labcorp Genetics (formerly Invitae), Labcorp).